The following is an entry in ClinVar:

NM_001930.4(DHPS):c.657C>G (p.Ser219=)

Gene: DHPS (deoxyhypusine synthase; minus strand). Cytogenetic location: 19p13.13.
Variant type: single nucleotide variant.
Coding change: c.657C>G on transcript NM_001930.4 (MANE Select); coding-DNA position 657, C replaced by G.
Protein change: p.Ser219=; no amino-acid change (serine 219 retained).
Molecular consequence: synonymous variant. On other transcripts: non-coding transcript variant (4).
Genome position (GRCh38, 1-based): chr19:12,679,478, G>C on the plus strand (C>G on the coding strand, the complement: DHPS is on the minus strand). VCF-style: chr19-12679478-G-C. GRCh37 (hg19) VCF-style: chr19-12790292-G-C.
Other names: c.531C>G, p.Ser177= (NM_001206974.2); c.657C>G, p.Ser219= (NM_001369691.1, NM_001369692.1, NM_013406.3 and 1 more transcripts); c.108C>G, p.Ser36= (NM_001369693.1).
Identifiers: ClinVar variation 3033079 (VCV003033079.2), dbSNP rs36111604, ClinGen allele CA9227748.

ClinVar aggregate classification (germline): Benign (0 of 4 stars; one submission).

Conditions:
DHPS-related disorder. Also called: DHPS-related condition.

Allele frequency attached by ClinVar (database versions not stated): ESP Exome Variant Server 0.00561; 1000 Genomes Project 0.00599; 1000 Genomes Project 30x 0.00671.

Submission:

PreventionGenetics, part of Exact Sciences
Classification: Benign for DHPS-related condition. Last evaluated: 2019-12-09. Review status: no assertion criteria provided. Collection method: clinical testing. Allele origin: germline.
Comment: This variant is classified as benign based on ACMG/AMP sequence variant interpretation guidelines (Richards et al. 2015 PMID: 25741868, with internal and published modifications).